The following is an entry in ClinVar:

NM_022726.4(ELOVL4):c.869G>A (p.Gly290Asp)

Gene: ELOVL4 (ELOVL fatty acid elongase 4; minus strand). Cytogenetic location: 6q14.1.
Variant type: single nucleotide variant.
Coding change: c.869G>A on transcript NM_022726.4 (MANE Select); coding-DNA position 869, G replaced by A.
Protein change: p.Gly290Asp; replaces glycine 290 with aspartic acid.
Molecular consequence: missense variant.
Genome position (GRCh38, 1-based): chr6:79,916,684, C>T on the plus strand (G>A on the coding strand, the complement: ELOVL4 is on the minus strand). VCF-style: chr6-79916684-C-T. GRCh37 (hg19) VCF-style: chr6-80626401-C-T.
Other names: short protein forms G290D.
Identifiers: ClinVar variation 2112198 (VCV002112198.4), dbSNP rs368166833, ClinGen allele CA142270648.
Genomic context (GRCh38, chr6:79,916,684, plus strand): 5'-TTTCCATTTTTCTGCTTTTTTCCATTTTCTATCATGAGTTGTTTTTCTGATTTGCTCACA[C>T]CATTTGCTGAAATACCATTCATGGCTGTTTTTCCAGCTTTTGGTTTCTTAGGCTCTTTGT-3'
Protein context (NP_073563.1, residues 280-300): KTAMNGISAN[Gly290Asp]VSKSEKQLMI

ClinVar aggregate classification (germline): Uncertain significance (1 of 4 stars; one submission).

gnomAD v4.1: 2 of 1,614,130 alleles (0.00012%); no homozygotes.

Submission:

Labcorp Genetics (formerly Invitae), Labcorp
Classification: Uncertain significance. Last evaluated: 2022-05-27. Review status: criteria provided, single submitter. Criteria: Invitae Variant Classification Sherloc (09022015). Collection method: clinical testing. Allele origin: germline.
Comment: This sequence change replaces glycine, which is neutral and non-polar, with aspartic acid, which is acidic and polar, at codon 290 of the ELOVL4 protein (p.Gly290Asp). This variant is not present in population databases (gnomAD no frequency). This variant has not been reported in the literature in individuals affected with ELOVL4-related conditions. Algorithms developed to predict the effect of missense changes on protein structure and function are either unavailable or do not agree on the potential impact of this missense change (SIFT: "Tolerated"; PolyPhen-2: "Probably Damaging"; Align-GVGD: "Class C0"). In summary, the available evidence is currently insufficient to determine the role of this variant in disease. Therefore, it has been classified as a Variant of Uncertain Significance.